The following is an entry in ClinVar:

ClinVar aggregate classification (germline): Uncertain significance (1 of 4 stars; one submission).

Conditions:
Mucopolysaccharidosis type 7 (MPS7). Also called: GUSB DEFICIENCY; BETA-GLUCURONIDASE DEFICIENCY; SLY SYNDROME; MPS VII. Identifiers: Orphanet 584, MedGen C0085132, MONDO:0009662, OMIM 253220.

Submission:

Labcorp Genetics (formerly Invitae), Labcorp
Classification: Uncertain significance for Mucopolysaccharidosis type 7. Last evaluated: 2022-04-04. Review status: criteria provided, single submitter. Criteria: Invitae Variant Classification Sherloc (09022015). Collection method: clinical testing. Allele origin: germline.
Comment: In summary, the available evidence is currently insufficient to determine the role of this variant in disease. Therefore, it has been classified as a Variant of Uncertain Significance. Algorithms developed to predict the effect of missense changes on protein structure and function (SIFT, PolyPhen-2, Align-GVGD) all suggest that this variant is likely to be tolerated. This sequence change replaces arginine, which is basic and polar, with glycine, which is neutral and non-polar, at codon 261 of the GUSB protein (p.Arg261Gly). This variant is not present in population databases (gnomAD no frequency). This variant has not been reported in the literature in individuals affected with GUSB-related conditions.

NM_000181.4(GUSB):c.781C>G (p.Arg261Gly)

Gene: GUSB (glucuronidase beta; minus strand). Cytogenetic location: 7q11.21.
Variant type: single nucleotide variant.
Coding change: c.781C>G on transcript NM_000181.4 (MANE Select); coding-DNA position 781, C replaced by G.
Protein change: p.Arg261Gly; replaces arginine 261 with glycine.
Molecular consequence: missense variant. On other transcripts: non-coding transcript variant (1), intron variant (1).
Genome position (GRCh38, 1-based): chr7:65,976,146, G>C on the plus strand (C>G on the coding strand, the complement: GUSB is on the minus strand). VCF-style: chr7-65976146-G-C. GRCh37 (hg19) VCF-style: chr7-65441133-G-C.
Other names: c.211C>G, p.Arg71Gly (NM_001293104.2); c.124C>G, p.Arg42Gly (NM_001293105.2); c.475-1075C>G (NM_001284290.2); short protein forms R71G, R261G, R42G.
Identifiers: ClinVar variation 2105051 (VCV002105051.4), dbSNP rs768075787, ClinGen allele CA367646685.